The following is an entry in ClinVar:

ClinVar aggregate classification (germline): Uncertain significance. Review status: criteria provided, multiple submitters, no conflicts (2 of 4 stars). 2 submissions from 2 submitters: Uncertain significance (2). Last evaluated 2025-09-13.

Conditions:
Brugada syndrome 8 (BRGDA8). Identifiers: Orphanet 130, MedGen C2751083, MONDO:0013148, OMIM 613123.
Cardiovascular phenotype. Identifiers: MedGen CN230736.

Allele frequency attached by ClinVar (database versions not stated): gnomAD exomes below 0.00001; TOPMed below 0.00001.

Submissions (2):

Labcorp Genetics (formerly Invitae), Labcorp
Classification: Uncertain significance for Brugada syndrome 8. Last evaluated: 2025-09-13. Review status: criteria provided, single submitter. Criteria: Invitae Variant Classification Sherloc (09022015). Collection method: clinical testing. Allele origin: germline.
Comment: This sequence change replaces proline, which is neutral and non-polar, with arginine, which is basic and polar, at codon 294 of the HCN4 protein (p.Pro294Arg). This variant is present in population databases (no rsID available, gnomAD 0.0009%). This missense change has been observed in individual(s) with clinical features of epilepsy (PMID: 30986657). ClinVar contains an entry for this variant (Variation ID: 1512163). Invitae Evidence Modeling of protein sequence and biophysical properties (such as structural, functional, and spatial information, amino acid conservation, physicochemical variation, residue mobility, and thermodynamic stability) has been performed for this missense variant. However, the output from this modeling did not meet the statistical confidence thresholds required to predict the impact of this variant on HCN4 protein function. In summary, the available evidence is currently insufficient to determine the role of this variant in disease. Therefore, it has been classified as a Variant of Uncertain Significance.

Ambry Genetics
Classification: Uncertain significance for Cardiovascular phenotype. Last evaluated: 2025-07-09. Review status: criteria provided, single submitter. Criteria: Ambry Variant Classification Scheme 2023. Collection method: clinical testing. Allele origin: germline.
Comment: The p.P294R variant (also known as c.881C>G), located in coding exon 2 of the HCN4 gene, results from a C to G substitution at nucleotide position 881. The proline at codon 294 is replaced by arginine, an amino acid with dissimilar properties. This variant was reported in an individual with partial epilepsy (DiFrancesco JC et al. Epilepsy Res, 2019 Jul;153:49-58). This amino acid position is well conserved in available vertebrate species. In addition, this alteration is predicted to be deleterious by in silico analysis. Based on the available evidence, the clinical significance of this variant remains unclear.

Literature cited by the submitters: PubMed 30986657 (cited by Labcorp Genetics (formerly Invitae), Labcorp and Ambry Genetics).

NM_005477.3(HCN4):c.881C>G (p.Pro294Arg)

Genes: HCN4 (hyperpolarization activated cyclic nucleotide gated potassium channel 4; minus strand), LOC105370890 (uncharacterized LOC105370890; plus strand), LOC126862173 (CDK7 strongly-dependent group 2 enhancer GRCh37_chr15:73635762-73636961; plus strand). Cytogenetic location: 15q24.1.
Variant type: single nucleotide variant.
Coding change: c.881C>G on transcript NM_005477.3 (MANE Select); coding-DNA position 881, C replaced by G.
Protein change: p.Pro294Arg; replaces proline 294 with arginine.
Molecular consequence: missense variant.
Genome position (GRCh38, 1-based): chr15:73,343,713, G>C on the plus strand (C>G on the coding strand, the complement: HCN4 is on the minus strand). VCF-style: chr15-73343713-G-C. GRCh37 (hg19) VCF-style: chr15-73636054-G-C.
Other names: c.881C>G (NM_005477.2); short protein forms P294R.
Identifiers: ClinVar variation 1512163 (VCV001512163.9), dbSNP rs1216261955, ClinGen allele CA393095338.